The following is an entry in ClinVar:

NM_006269.2(RP1):c.2120G>A (p.Arg707Lys)

Gene: RP1 (RP1 axonemal microtubule associated; plus strand). Cytogenetic location: 8q12.1.
Variant type: single nucleotide variant.
Coding change: c.2120G>A on transcript NM_006269.2 (MANE Select); coding-DNA position 2120, G replaced by A.
Protein change: p.Arg707Lys; replaces arginine 707 with lysine.
Molecular consequence: missense variant. On other transcripts: intron variant (1).
Genome position (GRCh38, 1-based): chr8:54,626,002, G>A. VCF-style: chr8-54626002-G-A. GRCh37 (hg19) VCF-style: chr8-55538562-G-A.
Other names: c.787+3714G>A (NM_001375654.1); short protein forms R707K.
Identifiers: ClinVar variation 1487942 (VCV001487942.6), dbSNP rs2129316439, ClinGen allele CA370992774.
Genomic context (GRCh38, chr8:54,626,002, plus strand): 5'-ATGGACAGCTTGCAACCAAAGGAATTCTTAATAAGAATGAGAGAATAAACACAAAAGGTA[G>A]AATTACAAAGGAAATGATAGTGCAAGATTCAGATAGTCCCCTTAAAGGAGGGATACTTTG-3'
Protein context (NP_006260.1, residues 697-717): NKNERINTKG[Arg707Lys]ITKEMIVQDS

ClinVar aggregate classification (germline): Uncertain significance (1 of 4 stars; one submission).

Submission:

Labcorp Genetics (formerly Invitae), Labcorp
Classification: Uncertain significance. Last evaluated: 2022-08-16. Review status: criteria provided, single submitter. Criteria: Invitae Variant Classification Sherloc (09022015). Collection method: clinical testing. Allele origin: germline.
Comment: This sequence change replaces arginine, which is basic and polar, with lysine, which is basic and polar, at codon 707 of the RP1 protein (p.Arg707Lys). This variant is not present in population databases (gnomAD no frequency). This variant has not been reported in the literature in individuals affected with RP1-related conditions. ClinVar contains an entry for this variant (Variation ID: 1487942). Algorithms developed to predict the effect of missense changes on protein structure and function output the following: SIFT: "Tolerated"; PolyPhen-2: "Benign"; Align-GVGD: "Class C0". The lysine amino acid residue is found in multiple mammalian species, which suggests that this missense change does not adversely affect protein function. Algorithms developed to predict the effect of sequence changes on RNA splicing suggest that this variant may create or strengthen a splice site. In summary, the available evidence is currently insufficient to determine the role of this variant in disease. Therefore, it has been classified as a Variant of Uncertain Significance.